The following is an entry in ClinVar:

NM_000284.4(PDHA1):c.*549A>G

Genes: MAP3K15 (mitogen-activated protein kinase kinase kinase 15; minus strand), PDHA1 (pyruvate dehydrogenase E1 subunit alpha 1; plus strand). Cytogenetic location: Xp22.12.
Variant type: single nucleotide variant.
Coding change: c.*549A>G on transcript NM_000284.4 (MANE Select); 549 bases downstream of the stop codon, A replaced by G.
Molecular consequence: 3 prime UTR variant.
Genome position (GRCh38, 1-based): chrX:19,360,202, A>G. VCF-style: chrX-19360202-A-G. GRCh37 (hg19) VCF-style: chrX-19378320-A-G.
Other names: c.*547T>C (NM_001001671.4); c.*549A>G (NM_001173454.2, NM_001173455.2, NM_001173456.2).
Identifiers: ClinVar variation 914458 (VCV000914458.33), dbSNP rs187525386, ClinGen allele CA327032056.

ClinVar aggregate classification (germline): Conflicting classifications of pathogenicity. Review status: criteria provided, conflicting classifications (1 of 4 stars). 2 submissions from 2 submitters: Uncertain significance (1); Likely benign (1). Last evaluated 2023-06-01.

Conditions:
Pyruvate dehydrogenase E1-alpha deficiency (PDHAD). Also called: ATAXIA, INTERMITTENT, WITH PYRUVATE DEHYDROGENASE DEFICIENCY; ATAXIA WITH LACTIC ACIDOSIS I; ATAXIA, INTERMITTENT, WITH ABNORMAL PYRUVATE METABOLISM; Ataxia, intermittent, with pyruvate dehydrogenase, or decarboxylase, deficiency. Identifiers: Orphanet 79243, MedGen C1839413, MONDO:0010717, OMIM 312170.

Allele frequency attached by ClinVar (database versions not stated): 1000 Genomes Project 30x 0.00021; 1000 Genomes Project 0.00026; gnomAD 0.00119 and 0.00126; TOPMed 0.00122; gnomAD exomes 0.00237.
gnomAD v4.1: 186 of 136,861 alleles (0.14%); highest among the groups gnomAD compares: Non-Finnish European, 0.25%; 1 homozygote.

Submissions (2):

CeGaT Center for Human Genetics Tuebingen
Classification: Likely benign. Last evaluated: 2023-06-01. Review status: criteria provided, single submitter. Criteria: CeGaT Center For Human Genetics Tuebingen Variant Classification Criteria Version 2. Collection method: clinical testing. Allele origin: germline. Affected: yes. Observed: 2 variant alleles.
Comment: MAP3K15: BS2; PDHA1: BS2

Illumina Laboratory Services, Illumina
Classification: Uncertain significance for Pyruvate dehydrogenase E1-alpha deficiency. Last evaluated: 2018-01-12. Review status: criteria provided, single submitter. Criteria: ICSL Variant Classification Criteria 13 December 2019. Collection method: clinical testing. Allele origin: germline.